The following is an entry in ClinVar:

NM_006348.5(COG5):c.556A>G (p.Ile186Val)

Gene: COG5 (component of oligomeric golgi complex 5; minus strand). Cytogenetic location: 7q22.3.
Variant type: single nucleotide variant.
Coding change: c.556A>G on transcript NM_006348.5 (MANE Select); coding-DNA position 556, A replaced by G.
Protein change: p.Ile186Val; replaces isoleucine 186 with valine.
Molecular consequence: missense variant. On other transcripts: intron variant (2).
Genome position (GRCh38, 1-based): chr7:107,412,615, T>C on the plus strand (A>G on the coding strand, the complement: COG5 is on the minus strand). VCF-style: chr7-107412615-T-C. GRCh37 (hg19) VCF-style: chr7-107053060-T-C.
Other names: c.556A>G, p.Ile186Val (NM_001161520.2, NM_001379511.1, NM_001379512.1 and 3 more transcripts); c.235-50505A>G (NM_001379516.1); c.539-114269A>G (NM_001379515.1); short protein forms I186V.
Identifiers: ClinVar variation 2884689 (VCV002884689.2), dbSNP rs764180413, ClinGen allele CA4431183.
Genomic context (GRCh38, chr7:107,412,615, plus strand): 5'-GTCGGGCTCTTGCAATAAAAAGTAGATCATTTTCTATCACTTCTATTCCAGAAAGATCTA[T>C]TCCTTGAGAAAGATAATCTGTTTAAAACAAAAACATACACATTCAAATATTTCAATACTG-3'
Protein context (NP_006339.4, residues 176-196): LNELDYLSQG[Ile186Val]DLSGIEVIEN

ClinVar aggregate classification (germline): Conflicting classifications of pathogenicity. Review status: criteria provided, conflicting classifications (1 of 4 stars). 2 submissions from 2 submitters: Uncertain significance (1); Likely benign (1). Last evaluated 2024-09-20.

Conditions:
COG5-congenital disorder of glycosylation. Also called: CDG IIi; COG5-CDG; CONGENITAL DISORDER OF GLYCOSYLATION, TYPE IIi. Identifiers: Orphanet 263487, MedGen C3150876, MONDO:0013325, OMIM 613612.

Allele frequency attached by ClinVar (database versions not stated): TOPMed below 0.00001; ExAC 0.00001; gnomAD 0.00001; gnomAD exomes 0.00001.
gnomAD v4.1: 10 of 1,546,920 alleles (0.00065%); highest among the groups gnomAD compares: East Asian, 0.011%; no homozygotes.

Submissions (2):

3billion
Classification: Likely benign for COG5-congenital disorder of glycosylation. Last evaluated: 2024-09-20. Review status: criteria provided, single submitter. Criteria: ACMG Guidelines, 2015. Collection method: clinical testing. Allele origin: germline. Affected: no.
Comment: The homozygous variant was found in patients diagnosed with another variant in a different gene, with no symptoms related to the gene containing the homozygous variant.

Labcorp Genetics (formerly Invitae), Labcorp
Classification: Uncertain significance for COG5-congenital disorder of glycosylation. Last evaluated: 2024-01-25. Review status: criteria provided, single submitter. Criteria: Invitae Variant Classification Sherloc (09022015). Collection method: clinical testing. Allele origin: germline.
Comment: This sequence change replaces isoleucine, which is neutral and non-polar, with valine, which is neutral and non-polar, at codon 217 of the COG5 protein (p.Ile217Val). This variant is present in population databases (rs764180413, gnomAD 0.01%). This variant has not been reported in the literature in individuals affected with COG5-related conditions. An algorithm developed to predict the effect of missense changes on protein structure and function (PolyPhen-2) suggests that this variant¬†is likely to be tolerated. In summary, the available evidence is currently insufficient to determine the role of this variant in disease. Therefore, it has been classified as a Variant of Uncertain Significance.